The following is an entry in ClinVar:

NM_000124.4(ERCC6):c.*4090G>A

Gene: ERCC6 (ERCC excision repair 6, chromatin remodeling factor; minus strand). Cytogenetic location: 10q11.23.
Variant type: single nucleotide variant.
Coding change: c.*4090G>A on transcript NM_000124.4 (MANE Select); 4090 bases downstream of the stop codon, G replaced by A.
Molecular consequence: 3 prime UTR variant.
Genome position (GRCh38, 1-based): chr10:49,454,725, C>T on the plus strand (G>A on the coding strand, the complement: ERCC6 is on the minus strand). VCF-style: chr10-49454725-C-T. GRCh37 (hg19) VCF-style: chr10-50662771-C-T.
Other names: c.*4090G>A (NM_001346440.2).
Identifiers: ClinVar variation 877817 (VCV000877817.4), dbSNP rs117555054, ClinGen allele CA206612007.

ClinVar aggregate classification (germline): Conflicting classifications of pathogenicity. Review status: criteria provided, conflicting classifications (1 of 4 stars). 3 submissions from 1 submitter: Uncertain significance (2); Likely benign (1). Last evaluated 2018-01-13.

Conditions:
Age related macular degeneration 5. Identifiers: MedGen C3151063, MONDO:0013409, OMIM 613761.
Cerebrooculofacioskeletal syndrome 1 (COFS1). Also called: Cerebro-oculo-facio-skeletal syndrome 1. Identifiers: MedGen C0220722, MONDO:0008955, OMIM 214150.
Cockayne syndrome type 2 (CSB). Also called: COCKAYNE SYNDROME B; Cockayne Syndrome, Type II. Identifiers: Orphanet 191, Orphanet 90322, MedGen C0751038, MONDO:0019570, OMIM 133540.

Allele frequency attached by ClinVar (database versions not stated): TOPMed 0.00001; 1000 Genomes Project 0.00040; 1000 Genomes Project 30x 0.00047.
gnomAD v4.1: 9 of 151,968 alleles (0.0059%); highest among the groups gnomAD compares: East Asian, 0.17%; no homozygotes.

Submissions (3):

Illumina Laboratory Services, Illumina
Classification: Likely benign for Age related macular degeneration 5. Last evaluated: 2018-01-13. Review status: criteria provided, single submitter. Criteria: ICSL Variant Classification Criteria 13 December 2019. Collection method: clinical testing. Allele origin: germline.
Comment: This variant was observed in the ICSL laboratory as part of a predisposition screen in an ostensibly healthy population. It had not been previously curated by ICSL or reported in the Human Gene Mutation Database (HGMD: prior to June 1st, 2018), and was therefore a candidate for classification through an automated scoring system. Utilizing variant allele frequency, disease prevalence and penetrance estimates, and inheritance mode, an automated score was calculated to assess if this variant is too frequent to cause the disease. Based on the score and internal cut-off values, a variant classified as likely benign is not then subjected to further curation. The score for this variant resulted in a classification of likely benign for this disease.

Illumina Laboratory Services, Illumina
Classification: Uncertain significance for Cerebrooculofacioskeletal syndrome 1. Last evaluated: 2018-01-13. Review status: criteria provided, single submitter. Criteria: ICSL Variant Classification Criteria 13 December 2019. Collection method: clinical testing. Allele origin: germline.

Illumina Laboratory Services, Illumina
Classification: Uncertain significance for Cockayne syndrome type 2. Last evaluated: 2018-01-13. Review status: criteria provided, single submitter. Criteria: ICSL Variant Classification Criteria 13 December 2019. Collection method: clinical testing. Allele origin: germline.